The following is an entry in ClinVar:

ClinVar aggregate classification (germline): Pathogenic (1 of 4 stars; one submission).

Conditions:
Familial thoracic aortic aneurysm and aortic dissection (TAAD). Also called: Thoracic aortic aneurysms and dissections. Identifiers: Orphanet 91387, MedGen C4707243, MONDO:0019625.

Submission:

Labcorp Genetics (formerly Invitae), Labcorp
Classification: Pathogenic for Familial thoracic aortic aneurysm and aortic dissection. Last evaluated: 2019-04-10. Review status: criteria provided, single submitter. Criteria: Invitae Variant Classification Sherloc (09022015). Collection method: clinical testing. Allele origin: germline.
Comment: This variant is not present in population databases (ExAC no frequency). For these reasons, this variant has been classified as Pathogenic. Loss-of-function variants in SMAD3 are known to be pathogenic (PMID: 21778426, 24804794). This variant has not been reported in the literature in individuals with SMAD3-related disease. This sequence change creates a premature translational stop signal (p.Gln173Argfs*13) in the SMAD3 gene. It is expected to result in an absent or disrupted protein product.

Literature cited by the submitters: PubMed 21778426; PubMed 24804794.

NM_005902.4(SMAD3):c.517del (p.Gln173fs)

Gene: SMAD3 (SMAD family member 3; plus strand). Cytogenetic location: 15q22.33.
Variant type: Deletion.
Coding change: c.517del on transcript NM_005902.4 (MANE Select); coding-DNA position 517, one base deleted (C; older notation c.517delC).
Protein change: p.Gln173fs; shifts the reading frame from glutamine 173.
Molecular consequence: frameshift variant.
Genome position (GRCh38, 1-based): chr15:67,165,369, C deleted; the last of 4 consecutive C bases (chr15:67,165,366-67,165,369); deleting any one gives the same sequence. VCF-style (leftmost placement, unchanged base first): chr15-67165365-GC-G. GRCh37 (hg19) VCF-style: chr15-67457703-GC-G.
Other names: c.517del (NM_005902.3); c.202del, p.Gln68fs (NM_001145102.2); c.385del, p.Gln129fs (NM_001145103.2); short protein forms Q173fs, Q68fs, Q129fs.
Identifiers: ClinVar variation 650869 (VCV000650869.8), dbSNP rs1595942351, ClinGen allele CA915946039.